The following is an entry in ClinVar:

NM_000257.4(MYH7):c.5695G>T (p.Val1899Leu)

Gene: MYH7 (myosin heavy chain 7; minus strand). Cytogenetic location: 14q11.2.
Variant type: single nucleotide variant.
Coding change: c.5695G>T on transcript NM_000257.4 (MANE Select); coding-DNA position 5695, G replaced by T.
Protein change: p.Val1899Leu; replaces valine 1899 with leucine.
Molecular consequence: missense variant.
Genome position (GRCh38, 1-based): chr14:23,413,854, C>A on the plus strand (G>T on the coding strand, the complement: MYH7 is on the minus strand). VCF-style: chr14-23413854-C-A. GRCh37 (hg19) VCF-style: chr14-23883063-C-A.
Other names: c.5695G>T, p.Val1899Leu (NM_001407004.1); short protein forms V1899L.
Identifiers: ClinVar variation 4703522 (VCV004703522.1).

ClinVar aggregate classification (germline): Uncertain significance. Review status: criteria provided, multiple submitters, no conflicts (2 of 4 stars). 2 submissions from 2 submitters: Uncertain significance (2). Last evaluated 2025-10-08.

Conditions:
Hypertrophic cardiomyopathy. Also called: HYPERTROPHIC MYOCARDIOPATHY. Identifiers: Orphanet 217569, MedGen C0007194, MeSH D002312, MONDO:0005045, HP:0001639.
Cardiomyopathy (CMYO). Also called: Cardiomyopathies. Identifiers: Orphanet 167848, MedGen C0878544, MONDO:0004994, HP:0001638. Inheritance: Various modes of inheritance.

Submissions (2):

Labcorp Genetics (formerly Invitae), Labcorp
Classification: Uncertain significance for Hypertrophic cardiomyopathy. Last evaluated: 2025-10-08. Review status: criteria provided, single submitter. Criteria: Invitae Variant Classification Sherloc (09022015). Collection method: clinical testing. Allele origin: germline.
Comment: This sequence change replaces valine, which is neutral and non-polar, with leucine, which is neutral and non-polar, at codon 1899 of the MYH7 protein (p.Val1899Leu). This variant is not present in population databases (gnomAD no frequency). This variant has not been reported in the literature in individuals affected with MYH7-related conditions. Invitae Evidence Modeling of protein sequence and biophysical properties (such as structural, functional, and spatial information, amino acid conservation, physicochemical variation, residue mobility, and thermodynamic stability) indicates that this missense variant is not expected to disrupt MYH7 protein function with a negative predictive value of 95%. In summary, the available evidence is currently insufficient to determine the role of this variant in disease. Therefore, it has been classified as a Variant of Uncertain Significance.

Color Diagnostics, LLC DBA Color Health
Classification: Uncertain significance for Cardiomyopathy. Last evaluated: 2025-06-30. Review status: criteria provided, single submitter. Criteria: ACMG Guidelines, 2015. Collection method: clinical testing. Allele origin: germline.
Comment: This missense variant replaces valine with leucine at codon 1899 of the MYH7 protein. Computational prediction suggests that this variant may not impact protein structure and function. To our knowledge, functional studies have not been reported for this variant. This variant has not been reported in individuals affected with MYH7-related disorders in the literature. This variant has not been identified in the general population by the Genome Aggregation Database (gnomAD). The available evidence is insufficient to determine the role of this variant in disease conclusively. Therefore, this variant is classified as a Variant of Uncertain Significance.